The following is an entry in ClinVar:

ClinVar aggregate classification (germline): Uncertain significance. Review status: criteria provided, multiple submitters, no conflicts (2 of 4 stars). 2 submissions from 2 submitters: Uncertain significance (2). Last evaluated 2025-05-03.

Conditions:
Cataract 41 (CTRCT41). Also called: CATARACT 41, CONGENITAL NUCLEAR TYPE. Identifiers: Orphanet 91492, Orphanet 98991, Orphanet 98992, Orphanet 98995, MedGen C3805412, MONDO:0007287, OMIM 116400.
Wolfram syndrome 1 (WFS1). Identifiers: Orphanet 3463, MedGen C4551693, MONDO:0009101, OMIM 222300.
Autosomal dominant nonsyndromic hearing loss 6 (LFSNHL). Also called: DEAFNESS, AUTOSOMAL DOMINANT 6; DEAFNESS, AUTOSOMAL DOMINANT 14; DEAFNESS, AUTOSOMAL DOMINANT 38; Autosomal dominant nonsyndromic deafness 6. Identifiers: Orphanet 90635, MedGen C1833021, MONDO:0010963, OMIM 600965.
Wolfram-like syndrome. Also called: HEARING LOSS, PROGRESSIVE, WITH OPTIC ATROPHY AND/OR IMPAIRED GLUCOSE REGULATION. Identifiers: Orphanet 411590, MedGen C3280358, MONDO:0013673, OMIM 614296.
Type 2 diabetes mellitus. Also called: Type II diabetes mellitus. Identifiers: MedGen C0011860, MeSH D003924, MONDO:0005148, OMIM 125853, HP:0005978.

Submissions (2):

Labcorp Genetics (formerly Invitae), Labcorp
Classification: Uncertain significance. Last evaluated: 2025-05-03. Review status: criteria provided, single submitter. Criteria: Invitae Variant Classification Sherloc (09022015). Collection method: clinical testing. Allele origin: germline.
Comment: This sequence change replaces tryptophan, which is neutral and slightly polar, with cysteine, which is neutral and slightly polar, at codon 588 of the WFS1 protein (p.Trp588Cys). This variant is present in population databases (rs763559442, gnomAD 0.006%). This variant has not been reported in the literature in individuals affected with WFS1-related conditions. ClinVar contains an entry for this variant (Variation ID: 1407986). Invitae Evidence Modeling of protein sequence and biophysical properties (such as structural, functional, and spatial information, amino acid conservation, physicochemical variation, residue mobility, and thermodynamic stability) indicates that this missense variant is not expected to disrupt WFS1 protein function with a negative predictive value of 80%. In summary, the available evidence is currently insufficient to determine the role of this variant in disease. Therefore, it has been classified as a Variant of Uncertain Significance.

Fulgent Genetics
Classification: Uncertain significance for Cataract 41; Type 2 diabetes mellitus; Wolfram syndrome 1; Autosomal dominant nonsyndromic hearing loss 6; Wolfram-like syndrome. Last evaluated: 2024-04-10. Review status: criteria provided, single submitter. Criteria: ACMG Guidelines, 2015. Collection method: clinical testing. Allele origin: germline.

NM_006005.3(WFS1):c.1764G>T (p.Trp588Cys)

Gene: WFS1 (wolframin ER transmembrane glycoprotein; plus strand). Cytogenetic location: 4p16.1.
Variant type: single nucleotide variant.
Coding change: c.1764G>T on transcript NM_006005.3 (MANE Select); coding-DNA position 1764, G replaced by T.
Protein change: p.Trp588Cys; replaces tryptophan 588 with cysteine.
Molecular consequence: missense variant.
Genome position (GRCh38, 1-based): chr4:6,301,559, G>T. VCF-style: chr4-6301559-G-T. GRCh37 (hg19) VCF-style: chr4-6303286-G-T.
Other names: c.1764G>T, p.Trp588Cys (NM_001145853.1); short protein forms W588C.
Identifiers: ClinVar variation 1407986 (VCV001407986.6), dbSNP rs763559442, ClinGen allele CA2839480.